The following is an entry in ClinVar:

ClinVar aggregate classification (germline): Uncertain significance (1 of 4 stars; one submission).

Allele frequency attached by ClinVar (database versions not stated): TOPMed below 0.00001.

Submission:

GeneDx
Classification: Uncertain significance. Last evaluated: 2023-01-23. Review status: criteria provided, single submitter. Criteria: GeneDx Variant Classification Process June 2021. Collection method: clinical testing. Allele origin: germline. Affected: yes.
Comment: Not observed at significant frequency in large population cohorts (gnomAD); In silico analysis supports that this missense variant does not alter protein structure/function; Has not been previously published as pathogenic or benign to our knowledge

NM_019066.5(MAGEL2):c.949C>G (p.Gln317Glu)

Gene: MAGEL2 (MAGE family member L2; minus strand). Cytogenetic location: 15q11.2.
Variant type: single nucleotide variant.
Coding change: c.949C>G on transcript NM_019066.5 (MANE Select); coding-DNA position 949, C replaced by G.
Protein change: p.Gln317Glu; replaces glutamine 317 with glutamic acid.
Molecular consequence: missense variant.
Genome position (GRCh38, 1-based): chr15:23,646,794, G>C on the plus strand (C>G on the coding strand, the complement: MAGEL2 is on the minus strand). VCF-style: chr15-23646794-G-C. GRCh37 (hg19) VCF-style: chr15-23891941-G-C.
Other names: short protein forms Q317E.
Identifiers: ClinVar variation 2428868 (VCV002428868.3), dbSNP rs1890417479, ClinGen allele CA391335496.